The following is an entry in ClinVar:

NM_033380.3(COL4A5):c.1483C>T (p.Gln495Ter)

Gene: COL4A5 (collagen type IV alpha 5 chain; plus strand). Cytogenetic location: Xq22.3.
Variant type: single nucleotide variant.
Coding change: c.1483C>T on transcript NM_033380.3 (MANE Select); coding-DNA position 1483, C replaced by T.
Protein change: p.Gln495Ter; replaces glutamine 495 with a stop codon.
Molecular consequence: nonsense.
Genome position (GRCh38, 1-based): chrX:108,595,568, C>T. VCF-style: chrX-108595568-C-T. GRCh37 (hg19) VCF-style: chrX-107838798-C-T.
Other names: c.1483C>T, p.Gln495Ter (NM_000495.5); short protein forms Q495*.
Identifiers: ClinVar variation 4715420 (VCV004715420.1).

ClinVar aggregate classification (germline): Pathogenic (1 of 4 stars; one submission).

Submission:

Labcorp Genetics (formerly Invitae), Labcorp
Classification: Pathogenic. Last evaluated: 2025-03-18. Review status: criteria provided, single submitter. Criteria: Invitae Variant Classification Sherloc (09022015). Collection method: clinical testing. Allele origin: germline.
Comment: This sequence change creates a premature translational stop signal (p.Gln495*) in the COL4A5 gene. It is expected to result in an absent or disrupted protein product. Loss-of-function variants in COL4A5 are known to be pathogenic (PMID: 9195222, 10752524, 14514738, 24854265, 26809805). This variant is not present in population databases (gnomAD no frequency). This variant has not been reported in the literature in individuals affected with COL4A5-related conditions. For these reasons, this variant has been classified as Pathogenic.

Literature cited by the submitters: PubMed 9195222; PubMed 10752524; PubMed 14514738; PubMed 24854265; PubMed 26809805.